The following is an entry in ClinVar:

ClinVar aggregate classification (germline): Benign. Review status: criteria provided, multiple submitters, no conflicts (2 of 4 stars). 2 submissions from 2 submitters: Benign (2). Last evaluated 2018-06-16.

Allele frequency attached by ClinVar (database versions not stated): 1000 Genomes Project 0.08506; 1000 Genomes Project 30x 0.08526; TOPMed 0.11607.
gnomAD v4.1: 166,660 of 1,498,908 alleles (11%); highest among the groups gnomAD compares: Admixed American, 16%; 9,838 homozygotes.

Submissions (2):

GeneDx
Classification: Benign. Last evaluated: 2018-06-16. Review status: criteria provided, single submitter. Criteria: GeneDx Variant Classification (06012015). Collection method: clinical testing. Allele origin: germline. Affected: yes.
Comment: This variant is considered likely benign or benign based on one or more of the following criteria: it is a conservative change, it occurs at a poorly conserved position in the protein, it is predicted to be benign by multiple in silico algorithms, and/or has population frequency not consistent with disease.

Breakthrough Genomics
Classification: Benign. Review status: criteria provided, single submitter. Criteria: ACMG Guidelines, 2015. Collection method: not provided. Allele origin: germline. Inheritance: Autosomal recessive inheritance. Affected: yes.

NM_002103.5(GYS1):c.942-87C>A

Gene: GYS1 (glycogen synthase 1; minus strand). Cytogenetic location: 19q13.33.
Variant type: single nucleotide variant.
Coding change: c.942-87C>A on transcript NM_002103.5 (MANE Select); 87 bases into the intron before coding-DNA position 942, C replaced by A.
Molecular consequence: intron variant.
Genome position (GRCh38, 1-based): chr19:48,982,462, G>T on the plus strand (C>A on the coding strand, the complement: GYS1 is on the minus strand). VCF-style: chr19-48982462-G-T. GRCh37 (hg19) VCF-style: chr19-49485719-G-T.
Other names: c.750-87C>A (NM_001161587.2).
Identifiers: ClinVar variation 676289 (VCV000676289.2), dbSNP rs74893260, ClinGen allele CA14645761.
Genomic context (GRCh38, chr19:48,982,462, plus strand): 5'-GCCCAAAGCCCTCACCCGCTAGCCCTGGCCTCAAAACTACAAATCCCAGAAGCTATGGGT[G>T]GGGGGGCAGAGGATGTCTTAGGTAATACAGAGGCATCACGGGGCCTCCTGGGAGTTGTAG-3'